The following is an entry in ClinVar:

NM_002948.5(RPL15):c.47C>G (p.Ser16Cys)

Genes: NKIRAS1 (NFKB inhibitor interacting Ras like 1; minus strand), RPL15 (ribosomal protein L15; plus strand). Cytogenetic location: 3p24.2.
Variant type: single nucleotide variant.
Coding change: c.47C>G on transcript NM_002948.5 (MANE Select); coding-DNA position 47, C replaced by G.
Protein change: p.Ser16Cys; replaces serine 16 with cysteine.
Molecular consequence: missense variant. On other transcripts: intron variant (1).
Genome position (GRCh38, 1-based): chr3:23,917,906, C>G. VCF-style: chr3-23917906-C-G. GRCh37 (hg19) VCF-style: chr3-23959397-C-G.
Other names: c.47C>G, p.Ser16Cys (NM_001253379.2, NM_001253380.2, NM_001253382.2 and 2 more transcripts); c.-139-6456G>C (NM_001377380.1); short protein forms S16C.
Identifiers: ClinVar variation 2183188 (VCV002183188.3), dbSNP rs746016083, ClinGen allele CA2286423.

ClinVar aggregate classification (germline): Uncertain significance (1 of 4 stars; one submission).

Allele frequency attached by ClinVar (database versions not stated): gnomAD 0.00001; gnomAD exomes below 0.00001; TOPMed 0.00001.
gnomAD v4.1: 2 of 1,613,314 alleles (0.00012%); highest among the groups gnomAD compares: African/African-American, 0.0027%; no homozygotes.

Submission:

Labcorp Genetics (formerly Invitae), Labcorp
Classification: Uncertain significance. Last evaluated: 2022-09-19. Review status: criteria provided, single submitter. Criteria: Invitae Variant Classification Sherloc (09022015). Collection method: clinical testing. Allele origin: germline.
Comment: This sequence change replaces serine, which is neutral and polar, with cysteine, which is neutral and slightly polar, at codon 16 of the RPL15 protein (p.Ser16Cys). Algorithms developed to predict the effect of missense changes on protein structure and function (SIFT, PolyPhen-2, Align-GVGD) all suggest that this variant is likely to be disruptive. This variant has not been reported in the literature in individuals affected with RPL15-related conditions. This variant is not present in population databases (gnomAD no frequency). In summary, the available evidence is currently insufficient to determine the role of this variant in disease. Therefore, it has been classified as a Variant of Uncertain Significance.